The following is an entry in ClinVar:

NM_006088.6(TUBB4B):c.504T>C (p.Ser168=)

Gene: TUBB4B (tubulin beta 4B class IVb; plus strand). Cytogenetic location: 9q34.3.
Variant type: single nucleotide variant.
Coding change: c.504T>C on transcript NM_006088.6 (MANE Select); coding-DNA position 504, T replaced by C.
Protein change: p.Ser168=; no amino-acid change (serine 168 retained).
Molecular consequence: synonymous variant.
Genome position (GRCh38, 1-based): chr9:137,242,722, T>C. VCF-style: chr9-137242722-T-C. GRCh37 (hg19) VCF-style: chr9-140137174-T-C.
Identifiers: ClinVar variation 3345751 (VCV003345751.2).

ClinVar aggregate classification (germline): Likely benign. Review status: criteria provided, single submitter (1 of 4 stars). 2 submissions from 2 submitters: Likely benign (1). 1 of the submissions does not count toward it. Last evaluated 2024-10-21.

Conditions:
TUBB4B-related disorder. Also called: TUBB4B-related condition.

Submissions (2):

Blueprint Genetics
Classification: Likely benign. Last evaluated: 2024-10-21. Review status: criteria provided, single submitter. Criteria: ACMG Guidelines, 2015. Collection method: clinical testing. Allele origin: germline.

PreventionGenetics, part of Exact Sciences
Classification: Likely benign for TUBB4B-related condition. Last evaluated: 2019-05-01. Review status: no assertion criteria provided. Collection method: clinical testing. Allele origin: germline. Not counted in ClinVar's aggregate classification.
Comment: This variant is classified as likely benign based on ACMG/AMP sequence variant interpretation guidelines (Richards et al. 2015 PMID: 25741868, with internal and published modifications).